The following is an entry in ClinVar:

NM_000821.7(GGCX):c.*5G>A

Gene: GGCX (gamma-glutamyl carboxylase; minus strand). Cytogenetic location: 2p11.2.
Variant type: single nucleotide variant.
Coding change: c.*5G>A on transcript NM_000821.7 (MANE Select); 5 bases downstream of the stop codon, G replaced by A.
Molecular consequence: 3 prime UTR variant.
Genome position (GRCh38, 1-based): chr2:85,549,929, C>T on the plus strand (G>A on the coding strand, the complement: GGCX is on the minus strand). VCF-style: chr2-85549929-C-T. GRCh37 (hg19) VCF-style: chr2-85777052-C-T.
Other names: c.*5G>A (NM_001142269.4).
Identifiers: ClinVar variation 3047674 (VCV003047674.2), dbSNP rs368920732, ClinGen allele CA1741592.
Genomic context (GRCh38, chr2:85,549,929, plus strand): 5'-GTCCATTGCATAGAATGGGTCTGTGACTGGCTGCTTCTACATCTGCACCCAACATCTGGC[C>T]CCCTTCAGAACTCTGAGTGGACAGGATCAGGATTTGACTCAGGAGGATTAGAATGTGAAG-3'

ClinVar aggregate classification (germline): Likely benign (0 of 4 stars; one submission).

Conditions:
GGCX-related disorder. Also called: GGCX-related condition; GGCX - Related Disorders.

Allele frequency attached by ClinVar (database versions not stated): 1000 Genomes Project 0.00060; ESP Exome Variant Server 0.00023; gnomAD 0.00032; TOPMed 0.00037; 1000 Genomes Project 30x 0.00078; gnomAD exomes 0.00002; ExAC 0.00016.
gnomAD v4.1: 78 of 1,602,100 alleles (0.0049%); highest among the groups gnomAD compares: African/African-American, 0.075%; no homozygotes.

Submission:

PreventionGenetics, part of Exact Sciences
Classification: Likely benign for GGCX-related condition. Last evaluated: 2021-09-13. Review status: no assertion criteria provided. Collection method: clinical testing. Allele origin: germline.
Comment: This variant is classified as likely benign based on ACMG/AMP sequence variant interpretation guidelines (Richards et al. 2015 PMID: 25741868, with internal and published modifications).